The following is an entry in ClinVar:

ClinVar aggregate classification (germline): Likely benign (0 of 4 stars; one submission).

Conditions:
DNMT3A-related disorder. Also called: DNMT3A-related disorders; DNMT3A-related condition.

gnomAD v4.1: 2 of 1,613,014 alleles (0.00012%); highest among the groups gnomAD compares: Admixed American, 0.0017%; no homozygotes.

Submission:

PreventionGenetics, part of Exact Sciences
Classification: Likely benign for DNMT3A-related condition. Last evaluated: 2023-03-09. Review status: no assertion criteria provided. Collection method: clinical testing. Allele origin: germline.
Comment: This variant is classified as likely benign based on ACMG/AMP sequence variant interpretation guidelines (Richards et al. 2015 PMID: 25741868, with internal and published modifications).

NM_022552.5(DNMT3A):c.1015-7C>T

Gene: DNMT3A (DNA methyltransferase 3 alpha; minus strand). Cytogenetic location: 2p23.3.
Variant type: single nucleotide variant.
Coding change: c.1015-7C>T on transcript NM_022552.5 (MANE Select); 7 bases into the intron before coding-DNA position 1015, C replaced by T.
Molecular consequence: intron variant.
Genome position (GRCh38, 1-based): chr2:25,247,165, G>A on the plus strand (C>T on the coding strand, the complement: DNMT3A is on the minus strand). VCF-style: chr2-25247165-G-A. GRCh37 (hg19) VCF-style: chr2-25470034-G-A.
Other names: c.1015-7C>T (NM_175629.2); c.448-7C>T (NM_153759.3); c.559-7C>T (NM_001320893.1); c.346-7C>T (NM_001375819.1).
Identifiers: ClinVar variation 3356337 (VCV003356337.1).